The following is an entry in ClinVar:

ClinVar aggregate classification (germline): Uncertain significance (1 of 4 stars; one submission).

Submission:

Labcorp Genetics (formerly Invitae), Labcorp
Classification: Uncertain significance. Last evaluated: 2023-07-14. Review status: criteria provided, single submitter. Criteria: Invitae Variant Classification Sherloc (09022015). Collection method: clinical testing. Allele origin: unknown.
Comment: This variant has not been reported in the literature in individuals affected with USH1C-related conditions. This variant results in the deletion of part of exon 19 and exons 20-21 (c.1573_*1222delinsTGG) of the USH1C gene. While this deletion is not anticipated to lead to nonsense mediated decay, it is expected to alter mRNA translation or result in a truncated protein product. Experimental studies and prediction algorithms are not available or were not evaluated, and the functional significance of this variant is currently unknown. In summary, the available evidence is currently insufficient to determine the role of this variant in disease. Therefore, it has been classified as a Variant of Uncertain Significance.

NC_000011.9:g.(?_17514689)_(17519726_?)del

Gene: USH1C (USH1 protein network component harmonin; minus strand). Cytogenetic location: 11p15.1.
Variant type: Deletion.
Identifiers: ClinVar variation 3244765 (VCV003244765.1).